The following is an entry in ClinVar:

NM_021830.5(TWNK):c.1846G>A (p.Val616Ile)

Gene: TWNK (twinkle mtDNA helicase; plus strand). Cytogenetic location: 10q24.31.
Variant type: single nucleotide variant.
Coding change: c.1846G>A on transcript NM_021830.5 (MANE Select); coding-DNA position 1846, G replaced by A.
Protein change: p.Val616Ile; replaces valine 616 with isoleucine.
Molecular consequence: missense variant. On other transcripts: 3 prime UTR variant (2), non-coding transcript variant (5).
Genome position (GRCh38, 1-based): chr10:100,993,301, G>A. VCF-style: chr10-100993301-G-A. GRCh37 (hg19) VCF-style: chr10-102753058-G-A.
Other names: c.*141G>A (NM_001163812.2, NM_001163814.2); c.484G>A, p.Val162Ile (NM_001163813.2, NM_001368275.1); c.1846G>A (NM_021830.4); short protein forms V162I, V616I.
Identifiers: ClinVar variation 2778789 (VCV002778789.4), dbSNP rs2493650661, ClinGen allele CA378212109.

ClinVar aggregate classification (germline): Uncertain significance. Review status: criteria provided, multiple submitters, no conflicts (2 of 4 stars). 2 submissions from 2 submitters: Uncertain significance (2). Last evaluated 2023-05-24.

Submissions (2):

GeneDx
Classification: Uncertain significance. Last evaluated: 2023-05-24. Review status: criteria provided, single submitter. Criteria: GeneDx Variant Classification Process June 2021. Collection method: clinical testing. Allele origin: germline. Affected: yes.
Comment: Not observed at significant frequency in large population cohorts (gnomAD); In silico analysis supports that this missense variant does not alter protein structure/function; Has not been previously published as pathogenic or benign to our knowledge

Labcorp Genetics (formerly Invitae), Labcorp
Classification: Uncertain significance. Last evaluated: 2023-01-05. Review status: criteria provided, single submitter. Criteria: Invitae Variant Classification Sherloc (09022015). Collection method: clinical testing. Allele origin: germline.
Comment: In summary, the available evidence is currently insufficient to determine the role of this variant in disease. Therefore, it has been classified as a Variant of Uncertain Significance. Advanced modeling of protein sequence and biophysical properties (such as structural, functional, and spatial information, amino acid conservation, physicochemical variation, residue mobility, and thermodynamic stability) performed at Invitae indicates that this missense variant is not expected to disrupt TWNK protein function. This variant has not been reported in the literature in individuals affected with TWNK-related conditions. This variant is not present in population databases (gnomAD no frequency). This sequence change replaces valine, which is neutral and non-polar, with isoleucine, which is neutral and non-polar, at codon 616 of the TWNK protein (p.Val616Ile).